The following is an entry in ClinVar:

ClinVar aggregate classification (germline): Uncertain significance. Review status: criteria provided, multiple submitters, no conflicts (2 of 4 stars). 3 submissions from 3 submitters: Uncertain significance (3). Last evaluated 2024-06-11.

Conditions:
Hereditary cancer-predisposing syndrome. Also called: Hereditary Cancer Syndrome; Hereditary neoplastic syndrome; Neoplastic Syndromes, Hereditary; Tumor predisposition. Identifiers: Orphanet 140162, MedGen C0027672, MeSH D009386, MONDO:0015356.
Familial cancer of breast. Also called: BREAST CANCER, FAMILIAL; Hereditary breast cancer; hereditary breast carcinoma. Identifiers: Orphanet 227535, MedGen C0346153, MONDO:0016419, OMIM 114480. Disease mechanism: loss of function.

Allele frequency attached by ClinVar (database versions not stated): gnomAD exomes below 0.00001.
gnomAD v4.1: 5 of 1,611,028 alleles (0.00031%); highest among the groups gnomAD compares: Non-Finnish European, 0.00034%; no homozygotes.

Submissions (3):

Labcorp Genetics (formerly Invitae), Labcorp
Classification: Uncertain significance for Familial cancer of breast. Last evaluated: 2024-06-11. Review status: criteria provided, single submitter. Criteria: Invitae Variant Classification Sherloc (09022015). Collection method: clinical testing. Allele origin: germline.
Comment: This sequence change replaces cysteine, which is neutral and slightly polar, with glycine, which is neutral and non-polar, at codon 71 of the BARD1 protein (p.Cys71Gly). This variant is not present in population databases (gnomAD no frequency). This variant has not been reported in the literature in individuals affected with BARD1-related conditions. ClinVar contains an entry for this variant (Variation ID: 406789). An algorithm developed to predict the effect of missense changes on protein structure and function (PolyPhen-2) suggests that this variant is likely to be disruptive. This variant disrupts the p.Cys71 amino acid residue in BARD1. Other variant(s) that disrupt this residue have been determined to be pathogenic (PMID: 26350354, 29367421). This suggests that this residue is clinically significant, and that variants that disrupt this residue are likely to be disease-causing. In summary, the available evidence is currently insufficient to determine the role of this variant in disease. Therefore, it has been classified as a Variant of Uncertain Significance.

GeneDx
Classification: Uncertain significance. Last evaluated: 2023-10-09. Review status: criteria provided, single submitter. Criteria: GeneDx Variant Classification Process June 2021. Collection method: clinical testing. Allele origin: germline. Affected: yes.
Comment: Not observed at significant frequency in large population cohorts (gnomAD); In silico analysis supports that this missense variant has a deleterious effect on protein structure/function; In silico analysis, which includes splice predictors and evolutionary conservation, suggests this variant may impact gene splicing. In the absence of RNA/functional studies, the actual effect of this sequence change is unknown.; Has not been previously published as pathogenic or benign to our knowledge; This variant is associated with the following publications: (PMID: 18480049)

Ambry Genetics
Classification: Uncertain significance for Hereditary cancer-predisposing syndrome. Last evaluated: 2023-05-30. Review status: criteria provided, single submitter. Criteria: Ambry Variant Classification Scheme 2023. Collection method: clinical testing. Allele origin: germline.
Comment: The p.C71G variant (also known as c.211T>G), located in coding exon 2 of the BARD1 gene, results from a T to G substitution at nucleotide position 211. The cysteine at codon 71 is replaced by glycine, an amino acid with highly dissimilar properties. This amino acid position is highly conserved in available vertebrate species. In addition, this alteration is predicted to be deleterious by in silico analysis. Since supporting evidence is limited at this time, the clinical significance of this alteration remains unclear.

Literature cited by the submitters: PubMed 26350354 (cited by Labcorp Genetics (formerly Invitae), Labcorp); PubMed 29367421 (cited by Labcorp Genetics (formerly Invitae), Labcorp).

NM_000465.4(BARD1):c.211T>G (p.Cys71Gly)

Gene: BARD1 (BRCA1 associated RING domain 1; minus strand). Cytogenetic location: 2q35.
Variant type: single nucleotide variant.
Coding change: c.211T>G on transcript NM_000465.4 (MANE Select); coding-DNA position 211, T replaced by G.
Protein change: p.Cys71Gly; replaces cysteine 71 with glycine.
Molecular consequence: missense variant. On other transcripts: non-coding transcript variant (2), intron variant (2).
Genome position (GRCh38, 1-based): chr2:214,797,065, A>C on the plus strand (T>G on the coding strand, the complement: BARD1 is on the minus strand). VCF-style: chr2-214797065-A-C. GRCh37 (hg19) VCF-style: chr2-215661789-A-C.
Other names: c.211T>G, p.Cys71Gly (NM_001282545.2, NM_001282549.2); c.158+12347T>G (NM_001282548.2); c.159-4620T>G (NM_001282543.2); short protein forms C71G.
Identifiers: ClinVar variation 406789 (VCV000406789.19), dbSNP rs1060501308, ClinGen allele CA16610598.